The following is an entry in ClinVar:

ClinVar aggregate classification (germline): Conflicting classifications of pathogenicity. Review status: criteria provided, conflicting classifications (1 of 4 stars). 4 submissions from 4 submitters: Uncertain significance (1); Benign (1); Likely benign (2). Last evaluated 2025-11-26.

Conditions:
Idiopathic generalized epilepsy. Also called: Generalised epilepsy; EIG. Identifiers: MedGen C0270850, MONDO:0005579, OMIM 600669.
Hyperaldosteronism, familial, type IV (HALD4). Also called: FH IV; ALDOSTERONISM, PRIMARY, AND HYPERTENSION. Identifiers: Orphanet 642671, MedGen C4310756, MONDO:0014875, OMIM 617027.
Inborn genetic diseases. Identifiers: MedGen C0950123, MeSH D030342.
Epilepsy, childhood absence, susceptibility to, 6. Identifiers: Orphanet 64280, MedGen C2749872, MONDO:0012763, OMIM 611942.

Allele frequency attached by ClinVar (database versions not stated): gnomAD 0.00001 and 0.00002; gnomAD exomes 0.00001; TOPMed 0.00001.
gnomAD v4.1: 25 of 1,586,950 alleles (0.0016%); highest among the groups gnomAD compares: Middle Eastern, 0.033%; no homozygotes.

Submissions (4):

Women's Health and Genetics/Laboratory Corporation of America, LabCorp
Classification: Likely benign. Last evaluated: 2025-11-26. Review status: criteria provided, single submitter. Criteria: LabCorp Variant Classification Summary - May 2015. Collection method: clinical testing. Allele origin: germline.
Comment: Variant summary: CACNA1H c.6340A>G (p.Thr2114Ala) results in a non-conservative amino acid change in the encoded protein sequence. Algorithms developed to predict the effect of missense changes on protein structure and function are either unavailable or do not agree on the potential impact of this missense change. The variant allele was found at a frequency of 9.4e-06 in 212000 control chromosomes (gnomAD v2). The available data on variant occurrences in the general population are insufficient to allow any conclusion about variant significance. However a total of 25 heterozygotes of this variant were reported in the gnomAD v4 database. To our knowledge, no occurrence of c.6340A>G in individuals affected with CACNA1H-related conditions and no experimental evidence demonstrating its impact on protein function have been reported. ClinVar contains an entry for this variant (Variation ID: 934850). Based on the evidence outlined above, the variant was classified as likely benign.

Labcorp Genetics (formerly Invitae), Labcorp
Classification: Benign for Idiopathic generalized epilepsy; Hyperaldosteronism, familial, type IV. Last evaluated: 2024-06-14. Review status: criteria provided, single submitter. Criteria: Invitae Variant Classification Sherloc (09022015). Collection method: clinical testing. Allele origin: germline.

Ambry Genetics
Classification: Likely benign for Inborn genetic diseases. Last evaluated: 2023-04-20. Review status: criteria provided, single submitter. Criteria: Ambry Variant Classification Scheme 2023. Collection method: clinical testing. Allele origin: germline.

Fulgent Genetics
Classification: Uncertain significance for Epilepsy, childhood absence, susceptibility to, 6; Hyperaldosteronism, familial, type IV. Last evaluated: 2021-11-15. Review status: criteria provided, single submitter. Criteria: ACMG Guidelines, 2015. Collection method: clinical testing. Allele origin: unknown.

NM_021098.3(CACNA1H):c.6340A>G (p.Thr2114Ala)

Gene: CACNA1H (calcium voltage-gated channel subunit alpha1 H; plus strand). Cytogenetic location: 16p13.3.
Variant type: single nucleotide variant.
Coding change: c.6340A>G on transcript NM_021098.3 (MANE Select); coding-DNA position 6340, A replaced by G.
Protein change: p.Thr2114Ala; replaces threonine 2114 with alanine.
Molecular consequence: missense variant.
Genome position (GRCh38, 1-based): chr16:1,220,272, A>G. VCF-style: chr16-1220272-A-G. GRCh37 (hg19) VCF-style: chr16-1270272-A-G.
Other names: c.6322A>G, p.Thr2108Ala (NM_001005407.2); short protein forms T2108A, T2114A.
Identifiers: ClinVar variation 934850 (VCV000934850.13), dbSNP rs1025586071, ClinGen allele CA276613911.